The following is an entry in ClinVar:

ClinVar aggregate classification (germline): Pathogenic. Review status: criteria provided, multiple submitters, no conflicts (2 of 4 stars). 6 submissions from 6 submitters: Pathogenic (6). Last evaluated 2025-10-20.

Conditions:
NF1-related disorder. Also called: NF1-related condition. Identifiers: MedGen CN379171.
Neurofibromatosis, type 1 (NF1). Also called: Neurofibromatosis, type I; VON RECKLINGHAUSEN DISEASE; Peripheral type neurofibromatosis; NEUROFIBROMATOSIS, TYPE I, SOMATIC. Identifiers: Orphanet 636, MedGen C0027831, MONDO:0018975, OMIM 162200. Disease mechanism: loss of function.

Allele frequency attached by ClinVar (database versions not stated): gnomAD exomes below 0.00001.
gnomAD v4.1: 1 of 1,614,028 alleles (0.000062%); highest among the groups gnomAD compares: Non-Finnish European, 0.000085%; no homozygotes.

Submissions (6):

Victorian Clinical Genetics Services, Murdoch Childrens Research Institute
Classification: Pathogenic for Neurofibromatosis, type 1. Last evaluated: 2025-10-20. Review status: criteria provided, single submitter. Criteria: ACMG Guidelines, 2015. Collection method: clinical testing. Allele origin: germline. Affected: yes.
Comment: This variant is classified as Pathogenic. Evidence in support of pathogenic classification: Variant is predicted to cause nonsense-mediated decay (NMD) and loss of protein (premature termination codon is located at least 54 nucleotides upstream of the final exon-exon junction); Variant is present in gnomAD <0.001 for a dominant condition (v4: 1 heterozygote(s), 0 homozygote(s)); Other NMD-predicted variant(s) comparable to the one identified in this case have very strong previous evidence for pathogenicity (DECIPHER). Additional information: This variant is heterozygous; This gene is associated with autosomal dominant disease; Loss of function is a known mechanism of disease in this gene and is associated with neurofibromatosis type 1 (MONDO:0018975); Variants in this gene are known to have variable expressivity. Disease manifestation can be extremely variable, even within a family (PMID: 20301288); Inheritance information for this variant is not currently available in this individual.

NHS Central & South Genomic Laboratory Hub
Classification: Pathogenic for Neurofibromatosis type 1. Last evaluated: 2024-11-11. Review status: criteria provided, single submitter. Criteria: ACMG Guidelines, 2015. Collection method: clinical testing. Allele origin: germline. Affected: yes.

Labcorp Genetics (formerly Invitae), Labcorp
Classification: Pathogenic for Neurofibromatosis, type 1. Last evaluated: 2023-07-19. Review status: criteria provided, single submitter. Criteria: Invitae Variant Classification Sherloc (09022015). Collection method: clinical testing. Allele origin: germline.
Comment: ClinVar contains an entry for this variant (Variation ID: 849556). This variant is also known as 7113C>A (C2371*). This premature translational stop signal has been observed in individual(s) with neurofibromatosis type 1 (PMID: 25324867). This variant is not present in population databases (gnomAD no frequency). This sequence change creates a premature translational stop signal (p.Cys2350*) in the NF1 gene. It is expected to result in an absent or disrupted protein product. Loss-of-function variants in NF1 are known to be pathogenic (PMID: 10712197, 23913538). For these reasons, this variant has been classified as Pathogenic.

PreventionGenetics, part of Exact Sciences
Classification: Pathogenic for NF1-related condition. Last evaluated: 2023-01-23. Review status: criteria provided, single submitter. Criteria: ACMG Guidelines, 2015. Collection method: clinical testing. Allele origin: germline.
Comment: The NF1 c.7113C>A variant is predicted to result in premature protein termination (p.Cys2371*). This variant was reported in an individual with neurofibromatosis type 1 (Kim et al. 2014. PubMed ID: 25324867). This variant has not been reported in a large population database, indicating this variant is rare. Nonsense variants in NF1 are expected to be pathogenic. This variant is interpreted as pathogenic.

GeneDx
Classification: Pathogenic. Last evaluated: 2022-05-13. Review status: criteria provided, single submitter. Criteria: GeneDx Variant Classification Process June 2021. Collection method: clinical testing. Allele origin: germline. Affected: yes.
Comment: Nonsense variant predicted to result in protein truncation or nonsense mediated decay in a gene for which loss-of-function is a known mechanism of disease; Not observed in large population cohorts (gnomAD); Also known as c.7113C>A, p.Cys2371Ter; This variant is associated with the following publications: (PMID: 10712197, 23913538, 25324867)

Genome-Nilou Lab
Classification: Pathogenic for Neurofibromatosis, type 1. Last evaluated: 2022-03-15. Review status: criteria provided, single submitter. Criteria: ACMG Guidelines, 2015. Collection method: clinical testing. Allele origin: germline. Affected: no.

Literature cited by the submitters: PubMed 20301288 (cited by Victorian Clinical Genetics Services, Murdoch Childrens Research Institute); PubMed 25324867 (cited by Labcorp Genetics (formerly Invitae), Labcorp); PubMed 10712197 (cited by Labcorp Genetics (formerly Invitae), Labcorp); PubMed 23913538 (cited by Labcorp Genetics (formerly Invitae), Labcorp).

NM_001042492.3(NF1):c.7113C>A (p.Cys2371Ter)

Gene: NF1 (neurofibromin 1; plus strand). Cytogenetic location: 17q11.2.
Variant type: single nucleotide variant.
Coding change: c.7113C>A on transcript NM_001042492.3 (MANE Select); coding-DNA position 7113, C replaced by A.
Protein change: p.Cys2371Ter; replaces cysteine 2371 with a stop codon.
Molecular consequence: nonsense.
Genome position (GRCh38, 1-based): chr17:31,343,059, C>A. VCF-style: chr17-31343059-C-A. GRCh37 (hg19) VCF-style: chr17-29670077-C-A.
Other names: c.7050C>A, p.Cys2350Ter (NM_000267.4); short protein forms C2350*, C2371*.
Identifiers: ClinVar variation 849556 (VCV000849556.12), dbSNP rs2069867490, ClinGen allele CA399015613.
Genomic context (GRCh38, chr17:31,343,059, plus strand): 5'-TCTTTAATAGAGTCCAGAGGAAGTATTTATGGCAATCCGGAATCCTCTGGAGTGGCACTG[C>A]AAGCAAATGGATCATTTTGTTGGACTCAATTTCAACTCTAACTTTAACTTTGCATTGGTT-3'